The following is an entry in ClinVar:

ClinVar aggregate classification (germline): Uncertain significance (1 of 4 stars; one submission).

Conditions:
Short-rib thoracic dysplasia 14 with polydactyly (SRTD14). Identifiers: Orphanet 397715, MedGen C4225286, MONDO:0014688, OMIM 616546.
Joubert syndrome 23 (JBTS23). Identifiers: Orphanet 475, MedGen C4084822, MONDO:0014664, OMIM 616490.

Allele frequency attached by ClinVar (database versions not stated): gnomAD exomes below 0.00001; gnomAD 0.00001; TOPMed 0.00001.
gnomAD v4.1: 4 of 1,533,144 alleles (0.00026%); highest among the groups gnomAD compares: Non-Finnish European, 0.00035%; no homozygotes.

Submission:

Labcorp Genetics (formerly Invitae), Labcorp
Classification: Uncertain significance for Joubert syndrome 23; Short-rib thoracic dysplasia 14 with polydactyly. Last evaluated: 2022-06-23. Review status: criteria provided, single submitter. Criteria: Invitae Variant Classification Sherloc (09022015). Collection method: clinical testing. Allele origin: germline.
Comment: This sequence change replaces isoleucine, which is neutral and non-polar, with threonine, which is neutral and polar, at codon 635 of the KIAA0586 protein (p.Ile635Thr). This variant is present in population databases (no rsID available, gnomAD 0.007%). This variant has not been reported in the literature in individuals affected with KIAA0586-related conditions. Algorithms developed to predict the effect of missense changes on protein structure and function output the following: SIFT: "Deleterious"; PolyPhen-2: "Benign"; Align-GVGD: "Class C0". The threonine amino acid residue is found in multiple mammalian species, which suggests that this missense change does not adversely affect protein function. In summary, the available evidence is currently insufficient to determine the role of this variant in disease. Therefore, it has been classified as a Variant of Uncertain Significance.

NM_001329943.3(KIAA0586):c.1745T>C (p.Ile582Thr)

Gene: KIAA0586 (KIAA0586; plus strand). Cytogenetic location: 14q23.1.
Variant type: single nucleotide variant.
Coding change: c.1745T>C on transcript NM_001329943.3 (MANE Select); coding-DNA position 1745, T replaced by C.
Protein change: p.Ile582Thr; replaces isoleucine 582 with threonine.
Molecular consequence: missense variant. On other transcripts: intron variant (1).
Genome position (GRCh38, 1-based): chr14:58,459,931, T>C. VCF-style: chr14-58459931-T-C. GRCh37 (hg19) VCF-style: chr14-58926649-T-C.
Other names: c.1904T>C, p.Ile635Thr (NM_001244189.2); c.1700T>C, p.Ile567Thr (NM_001244190.2); c.1490T>C, p.Ile497Thr (NM_001244191.2, NM_001329945.2, NM_001364700.1 and 1 more transcripts); c.1613T>C, p.Ile538Thr (NM_001244192.2); c.1325T>C, p.Ile442Thr (NM_001244193.2); c.1745T>C, p.Ile582Thr (NM_001329944.2, NM_001329946.2, NM_001329947.2); c.1657-1055T>C (NM_014749.5); short protein forms I538T, I582T, I497T, I442T, I567T, I635T.
Identifiers: ClinVar variation 1403244 (VCV001403244.7), dbSNP rs1039498791, ClinGen allele CA261626250.